The following is an entry in ClinVar:

ClinVar aggregate classification (germline): Pathogenic/Likely pathogenic. Review status: criteria provided, multiple submitters, no conflicts (2 of 4 stars). 2 submissions from 2 submitters: Pathogenic (1); Likely pathogenic (1). Last evaluated 2026-09-08.

Conditions:
Fabry disease. Also called: ALPHA-GALACTOSIDASE A DEFICIENCY; ANDERSON-FABRY DISEASE; CERAMIDE TRIHEXOSIDASE DEFICIENCY; GLA DEFICIENCY; HEREDITARY DYSTOPIC LIPIDOSIS; Angiokeratoma corporis diffusum. Identifiers: Orphanet 324, MedGen C0002986, MONDO:0010526, OMIM 301500, HP:0001071. Disease mechanism: Fabry disease is due to inactivating mutations in the X-linked GLA gene resulting in deficiency of the enzyme Alpha Galactosidase-A., loss of function.

Submissions (2):

Genomenon, Inc
Classification: Likely pathogenic for Fabry disease. Last evaluated: 2026-09-08. Review status: criteria provided, single submitter. Criteria: Genomenon Sequence Variant Interpretation Standards - Updated. Collection method: curation. Allele origin: germline. Affected: no.
Comment: GLA p.Asn139LysfsTer2 (c.413dup) is a frameshift variant that is predicted to introduce a premature termination codon and result in a truncated or absent protein product. This variant has been reported in the published literature (PMID:15776423). It is absent or not present at a significant frequency in gnomAD. In conclusion, we classify GLA p.Asn139LysfsTer2 (c.413dup) as a likely pathogenic variant.

Clinical Genetics Laboratory, Skane University Hospital Lund
Classification: Pathogenic for Fabry disease. Last evaluated: 2025-09-08. Review status: criteria provided, single submitter. Criteria: ACMG Guidelines, 2015. Collection method: clinical testing. Allele origin: germline. Affected: yes.
Comment: ACMG criteria used: PVS1, PM2, PP4.

Literature cited by the submitters: PubMed 15776423 (cited by Genomenon, Inc).

NM_000169.3(GLA):c.413dup (p.Asn139fs)

Genes: GLA (galactosidase alpha; minus strand), RPL36A-HNRNPH2 (RPL36A-HNRNPH2 readthrough; plus strand). Cytogenetic location: Xq22.1.
Variant type: Duplication.
Coding change: c.413dup on transcript NM_000169.3 (MANE Select); coding-DNA position 413, one base duplicated (G; older notation c.413dupG).
Protein change: p.Asn139fs; shifts the reading frame from asparagine 139.
Molecular consequence: frameshift variant. On other transcripts: non-coding transcript variant (3), intron variant (2).
Genome position (GRCh38, 1-based): chrX:101,401,766, C duplicated on the plus strand (G on the coding strand, the reverse complement: GLA is on the minus strand); the first of 2 consecutive C bases (chrX:101,401,766-101,401,767); duplicating either gives the same sequence. VCF-style (leftmost placement, unchanged base first): chrX-101401765-T-TC. GRCh37 (hg19) VCF-style: chrX-100656753-T-TC.
Other names: c.536dup, p.Asn180fs (NM_001406747.1, NM_001406749.1); c.413dup, p.Asn139fs (NM_001406748.1); c.300+6310dup (NM_001199973.2); c.177+9945dup (NM_001199974.2); short protein forms N139fs, N180fs.
Identifiers: ClinVar variation 4082081 (VCV004082081.3).
Genomic context (GRCh38, chrX:101,401,765, plus strand): 5'-GGTCTGGGCATCAATGTCGTAGTATCCAAAACTCCCAGGGAAGCCTGCGCAGGTTTTATT[T>TC]CCAACATCTGCATAAATCCCTAGCTTCAGTCCTTTGCTGTGAACCTGAAATGAGAGGGAG-3'